The following is an entry in ClinVar:

NM_194248.3(OTOF):c.3984G>T (p.Trp1328Cys)

Gene: OTOF (otoferlin; minus strand). Cytogenetic location: 2p23.3.
Variant type: single nucleotide variant.
Coding change: c.3984G>T on transcript NM_194248.3 (MANE Select); coding-DNA position 3984, G replaced by T.
Protein change: p.Trp1328Cys; replaces tryptophan 1328 with cysteine.
Molecular consequence: missense variant.
Genome position (GRCh38, 1-based): chr2:26,470,632, C>A on the plus strand (G>T on the coding strand, the complement: OTOF is on the minus strand). VCF-style: chr2-26470632-C-A. GRCh37 (hg19) VCF-style: chr2-26693500-C-A.
Other names: c.3984G>T, p.Trp1328Cys (NM_001287489.2); c.1683G>T, p.Trp561Cys (NM_004802.4, NM_194323.3); c.1914G>T, p.Trp638Cys (NM_194322.3); short protein forms W1328C, W561C, W638C.
Identifiers: ClinVar variation 4879931 (VCV004879931.1).

ClinVar aggregate classification (germline): VUS-mid (0 of 4 stars; one submission).

Conditions:
Autosomal recessive nonsyndromic hearing loss 9. Also called: NEUROSENSORY NONSYNDROMIC RECESSIVE DEAFNESS 9; OTOF-Related Hearing Loss; Deafness, autosomal recessive 9; AUDITORY NEUROPATHY, AUTOSOMAL RECESSIVE, 1, TEMPERATURE-SENSITIVE. Identifiers: Orphanet 90636, MedGen C1832828, MONDO:0010986, OMIM 601071.

Submission:

Diagnosis and Treatment Center of Genetic Hearing Loss, Eye & ENT Hospital of Fudan University
Classification: VUS-mid for Autosomal recessive nonsyndromic hearing loss 9. Last evaluated: 2026-02-04. Review status: no assertion criteria provided. Collection method: clinical testing. Allele origin: germline. Inheritance: Autosomal recessive inheritance. Affected: yes.
Comment: The c.3984G>T missense variant in OTOF is absent from population databases (PM2_Supporting). It was found with a second likely pathogenic variant (c.5450G>A) (PM3_Supporting). Based on current evidence, this variant is classified as Uncertain Significance.